The following is an entry in ClinVar:

ClinVar aggregate classification (germline): Likely pathogenic (1 of 4 stars; one submission).

Allele frequency attached by ClinVar (database versions not stated): gnomAD exomes below 0.00001.
gnomAD v4.1: 2 of 1,613,620 alleles (0.00012%); highest among the groups gnomAD compares: Non-Finnish European, 0.00017%; no homozygotes.

Submission:

CeGaT Center for Human Genetics Tuebingen
Classification: Likely pathogenic. Last evaluated: 2023-09-01. Review status: criteria provided, single submitter. Criteria: CeGaT Center For Human Genetics Tuebingen Variant Classification Criteria Version 2. Collection method: clinical testing. Allele origin: germline. Affected: yes. Observed: 1 variant allele.
Comment: COL4A4: PVS1:Strong, PM2

NM_000092.5(COL4A4):c.595-2A>G

Gene: COL4A4 (collagen type IV alpha 4 chain; minus strand). Cytogenetic location: 2q36.3.
Variant type: single nucleotide variant.
Coding change: c.595-2A>G on transcript NM_000092.5 (MANE Select); the canonical splice acceptor site of the intron before coding-DNA position 595, A replaced by G.
Molecular consequence: splice acceptor variant.
Genome position (GRCh38, 1-based): chr2:227,109,288, T>C on the plus strand (A>G on the coding strand, the complement: COL4A4 is on the minus strand). VCF-style: chr2-227109288-T-C. GRCh37 (hg19) VCF-style: chr2-227974004-T-C.
Identifiers: ClinVar variation 2582994 (VCV002582994.25), dbSNP rs2475814978, ClinGen allele CA350859874.
Genomic context (GRCh38, chr2:227,109,288, plus strand): 5'-AACCCTGGCTCTCCAGGATATCCTGTGGGACCTGCCGGTCCTCCTGCACCCCAAGATCCC[T>C]AAACATGAGAAAAATCAGTGCATCTGTTACCCAAAATTGTAATCATCTTTCACAGAAAGA-3'